The following is an entry in ClinVar:

NM_000186.4(CFH):c.2236+1G>C

Gene: CFH (complement factor H; plus strand). Cytogenetic location: 1q31.3.
Variant type: single nucleotide variant.
Coding change: c.2236+1G>C on transcript NM_000186.4 (MANE Select); the canonical splice donor site of the intron after coding-DNA position 2236, G replaced by C.
Molecular consequence: splice donor variant.
Genome position (GRCh38, 1-based): chr1:196,726,941, G>C. VCF-style: chr1-196726941-G-C. GRCh37 (hg19) VCF-style: chr1-196696071-G-C.
Identifiers: ClinVar variation 1936765 (VCV001936765.7), dbSNP rs1274067311, ClinGen allele CA343990064.

ClinVar aggregate classification (germline): Likely pathogenic. Review status: criteria provided, multiple submitters, no conflicts (2 of 4 stars). 3 submissions from 3 submitters: Likely pathogenic (3). Last evaluated 2024-09-10.

Conditions:
Age related macular degeneration 4. Identifiers: MedGen C1853147, MONDO:0012540, OMIM 610698.
Hemolytic uremic syndrome, atypical, susceptibility to, 1. Also called: AHUS, SUSCEPTIBILITY TO, 1. Identifiers: Orphanet 2134, Orphanet 90038, MedGen C2749604, MONDO:0009335, OMIM 235400. Disease mechanism: Other.
Basal laminar drusen. Also called: DRUSEN OF BRUCH MEMBRANE; DRUSEN, CUTICULAR; DRUSEN, EARLY ADULT-ONSET, GROUPED. Identifiers: Orphanet 75376, MedGen C0730295, MONDO:0007472, OMIM 126700.
Factor H deficiency (CFHD). Also called: COMPLEMENT FACTOR H DEFICIENCY; CFH DEFICIENCY. Identifiers: Orphanet 200421, MedGen C0398777, MONDO:0012350, OMIM 609814.
CFH-related disorder. Also called: CFH-related condition; CFH-related disorders.

Allele frequency attached by ClinVar (database versions not stated): gnomAD exomes below 0.00001.
gnomAD v4.1: 3 of 1,610,836 alleles (0.00019%); highest among the groups gnomAD compares: Non-Finnish European, 0.00025%; no homozygotes.

Submissions (3):

Women's Health and Genetics/Laboratory Corporation of America, LabCorp
Classification: Likely pathogenic for CFH-Related Disorders. Last evaluated: 2024-09-10. Review status: criteria provided, single submitter. Criteria: LabCorp Variant Classification Summary - May 2015. Collection method: clinical testing. Allele origin: germline.
Comment: Variant summary: CFH c.2236+1G>C is located in a canonical splice-site and is predicted to affect mRNA splicing resulting in a significantly altered protein due to either exon skipping, shortening, or inclusion of intronic material. Variants that disrupt the consensus splice site are a relatively common cause of aberrant splicing and loss of CFH function. Several computational tools predict a significant impact on normal splicing: Two predict the variant abolishes a 5' splicing donor site. However, these predictions have yet to be confirmed by functional studies. The variant allele was found at a frequency of 8e-06 in 250660 control chromosomes. To our knowledge, no occurrence of c.2236+1G>C in individuals affected with CFH-Related Disorders and no experimental evidence demonstrating its impact on protein function have been reported. ClinVar contains an entry for this variant (Variation ID: 1936765). Based on the evidence outlined above, the variant was classified as likely pathogenic.

Fulgent Genetics
Classification: Likely pathogenic for Basal laminar drusen; Hemolytic uremic syndrome, atypical, susceptibility to, 1; Factor H deficiency; Age related macular degeneration 4. Last evaluated: 2024-01-16. Review status: criteria provided, single submitter. Criteria: ACMG Guidelines, 2015. Collection method: clinical testing. Allele origin: germline.

Labcorp Genetics (formerly Invitae), Labcorp
Classification: Likely pathogenic. Last evaluated: 2023-04-29. Review status: criteria provided, single submitter. Criteria: Invitae Variant Classification Sherloc (09022015). Collection method: clinical testing. Allele origin: germline.
Comment: ClinVar contains an entry for this variant (Variation ID: 1936765). This sequence change affects a donor splice site in intron 14 of the CFH gene. It is expected to disrupt RNA splicing. Variants that disrupt the donor or acceptor splice site typically lead to a loss of protein function (PMID: 16199547), and loss-of-function variants in CFH are known to be pathogenic (PMID: 11170896, 14978182, 16621965, 23870792, 25188723). This variant is present in population databases (no rsID available, gnomAD 0.002%). This variant has not been reported in the literature in individuals affected with CFH-related conditions. Algorithms developed to predict the effect of sequence changes on RNA splicing suggest that this variant may disrupt the consensus splice site. In summary, the currently available evidence indicates that the variant is pathogenic, but additional data are needed to prove that conclusively. Therefore, this variant has been classified as Likely Pathogenic.

Literature cited by the submitters: PubMed 16199547 (cited by Labcorp Genetics (formerly Invitae), Labcorp); PubMed 11170896 (cited by Labcorp Genetics (formerly Invitae), Labcorp); PubMed 14978182 (cited by Labcorp Genetics (formerly Invitae), Labcorp); PubMed 16621965 (cited by Labcorp Genetics (formerly Invitae), Labcorp); PubMed 23870792 (cited by Labcorp Genetics (formerly Invitae), Labcorp); PubMed 25188723 (cited by Labcorp Genetics (formerly Invitae), Labcorp).